The following is an entry in ClinVar:

NM_001903.5(CTNNA1):c.46A>G (p.Lys16Glu)

Gene: CTNNA1 (catenin alpha 1; plus strand). Cytogenetic location: 5q31.2.
Variant type: single nucleotide variant.
Coding change: c.46A>G on transcript NM_001903.5 (MANE Select); coding-DNA position 46, A replaced by G.
Protein change: p.Lys16Glu; replaces lysine 16 with glutamic acid.
Molecular consequence: missense variant. On other transcripts: 5 prime UTR variant (2).
Genome position (GRCh38, 1-based): chr5:138,781,970, A>G. VCF-style: chr5-138781970-A-G. GRCh37 (hg19) VCF-style: chr5-138117659-A-G.
Other names: c.46A>G (NM_001903.2); c.46A>G, p.Lys16Glu (NM_001290307.3, NM_001323982.2, NM_001323983.1 and 3 more transcripts); c.-68A>G (NM_001290309.3); c.-161A>G (NM_001290310.3); short protein forms K16E.
Identifiers: ClinVar variation 2043236 (VCV002043236.7), dbSNP rs759641978, ClinGen allele CA3431330.
Genomic context (GRCh38, chr5:138,781,970, plus strand): 5'-GTTTCTTATTTAGAAATGACTGCTGTCCATGCAGGCAACATAAACTTCAAGTGGGATCCT[A>G]AAAGTCTAGAGATCAGGACTCTGGCAGTTGAGAGACTGTTGGAGCCTCTTGTTACACAGG-3'
Protein context (NP_001894.2, residues 6-26): AGNINFKWDP[Lys16Glu]SLEIRTLAVE

ClinVar aggregate classification (germline): Uncertain significance. Review status: criteria provided, multiple submitters, no conflicts (2 of 4 stars). 2 submissions from 2 submitters: Uncertain significance (2). Last evaluated 2025-05-07.

Conditions:
Hereditary cancer-predisposing syndrome. Also called: Neoplastic Syndromes, Hereditary; Hereditary Cancer Syndrome; Hereditary neoplastic syndrome; Tumor predisposition. Identifiers: Orphanet 140162, MedGen C0027672, MeSH D009386, MONDO:0015356.

Allele frequency attached by ClinVar (database versions not stated): ExAC 0.00001; gnomAD exomes 0.00001.
gnomAD v4.1: 3 of 1,602,006 alleles (0.00019%); highest among the groups gnomAD compares: South Asian, 0.0023%; no homozygotes.

Submissions (2):

Ambry Genetics
Classification: Uncertain significance for Hereditary cancer-predisposing syndrome. Last evaluated: 2025-05-07. Review status: criteria provided, single submitter. Criteria: Ambry Variant Classification Scheme 2023. Collection method: clinical testing. Allele origin: germline.
Comment: The p.K16E variant (also known as c.46A>G), located in coding exon 1 of the CTNNA1 gene, results from an A to G substitution at nucleotide position 46. The lysine at codon 16 is replaced by glutamic acid, an amino acid with similar properties. This amino acid position is conserved. In addition, this alteration is predicted to be deleterious by in silico analysis. Since supporting evidence is limited at this time, the clinical significance of this alteration remains unclear.

Labcorp Genetics (formerly Invitae), Labcorp
Classification: Uncertain significance. Last evaluated: 2023-06-24. Review status: criteria provided, single submitter. Criteria: Invitae Variant Classification Sherloc (09022015). Collection method: clinical testing. Allele origin: germline.
Comment: Advanced modeling of protein sequence and biophysical properties (such as structural, functional, and spatial information, amino acid conservation, physicochemical variation, residue mobility, and thermodynamic stability) performed at Invitae indicates that this missense variant is not expected to disrupt CTNNA1 protein function. This sequence change replaces lysine, which is basic and polar, with glutamic acid, which is acidic and polar, at codon 16 of the CTNNA1 protein (p.Lys16Glu). This variant is present in population databases (rs759641978, gnomAD 0.007%). This variant has not been reported in the literature in individuals affected with CTNNA1-related conditions. ClinVar contains an entry for this variant (Variation ID: 2043236). In summary, the available evidence is currently insufficient to determine the role of this variant in disease. Therefore, it has been classified as a Variant of Uncertain Significance.